The following is an entry in ClinVar:

ClinVar aggregate classification (germline): Uncertain significance. Review status: criteria provided, multiple submitters, no conflicts (2 of 4 stars). 3 submissions from 3 submitters: Uncertain significance (3). Last evaluated 2026-01-13.

Conditions:
Autosomal dominant nonsyndromic hearing loss 1. Also called: DEAFNESS, AUTOSOMAL DOMINANT 1, WITH OR WITHOUT THROMBOCYTOPENIA; KONIGSMARK SYNDROME. Identifiers: Orphanet 90635, MedGen C1852282, MONDO:0007424, OMIM 124900.
Progressive microcephaly-seizures-cortical blindness-developmental delay syndrome. Also called: Seizures, cortical blindness, and microcephaly syndrome. Identifiers: Orphanet 477814, MedGen C5567650, MONDO:0014714, OMIM 616632.
Inborn genetic diseases. Identifiers: MedGen C0950123, MeSH D030342.

Allele frequency attached by ClinVar (database versions not stated): gnomAD 0.00001; gnomAD exomes 0.00002; TOPMed 0.00002; ExAC 0.00005; ESP Exome Variant Server 0.00008.
gnomAD v4.1: 30 of 1,614,022 alleles (0.0019%); highest among the groups gnomAD compares: Non-Finnish European, 0.0023%; no homozygotes.

Submissions (3):

Labcorp Genetics (formerly Invitae), Labcorp
Classification: Uncertain significance for Progressive microcephaly-seizures-cortical blindness-developmental delay syndrome; Autosomal dominant nonsyndromic hearing loss 1. Last evaluated: 2026-01-13. Review status: criteria provided, single submitter. Criteria: Invitae Variant Classification Sherloc (09022015). Collection method: clinical testing. Allele origin: germline.
Comment: This sequence change replaces arginine, which is basic and polar, with glutamine, which is neutral and polar, at codon 1214 of the DIAPH1 protein (p.Arg1214Gln). The frequency data for this variant in the population databases is considered unreliable, as metrics indicate poor data quality at this position in the gnomAD database. This variant has not been reported in the literature in individuals affected with DIAPH1-related conditions. ClinVar contains an entry for this variant (Variation ID: 930720). An algorithm developed to predict the effect of missense changes on protein structure and function (PolyPhen-2) suggests that this variant is likely to be disruptive. In summary, the available evidence is currently insufficient to determine the role of this variant in disease. Therefore, it has been classified as a Variant of Uncertain Significance.

Ambry Genetics
Classification: Uncertain significance for Inborn genetic diseases. Last evaluated: 2025-01-01. Review status: criteria provided, single submitter. Criteria: Ambry Variant Classification Scheme 2023. Collection method: clinical testing. Allele origin: germline.

Centre for Mendelian Genomics, University Medical Centre Ljubljana
Classification: Uncertain significance for Autosomal dominant nonsyndromic hearing loss 1. Last evaluated: 2019-03-01. Review status: criteria provided, single submitter. Criteria: ACMG Guidelines, 2015. Collection method: clinical testing. Allele origin: unknown. Affected: yes.
Comment: This variant was classified as: Uncertain significance. The available evidence on this variant's pathogenicity is insufficient or conflicting. The following ACMG criteria were applied in classifying this variant: PP3,BP1.

NM_005219.5(DIAPH1):c.3641G>A (p.Arg1214Gln)

Gene: DIAPH1 (diaphanous related formin 1; minus strand). Cytogenetic location: 5q31.3.
Variant type: single nucleotide variant.
Coding change: c.3641G>A on transcript NM_005219.5 (MANE Select); coding-DNA position 3641, G replaced by A.
Protein change: p.Arg1214Gln; replaces arginine 1214 with glutamine.
Molecular consequence: missense variant.
Genome position (GRCh38, 1-based): chr5:141,524,163, C>T on the plus strand (G>A on the coding strand, the complement: DIAPH1 is on the minus strand). VCF-style: chr5-141524163-C-T. GRCh37 (hg19) VCF-style: chr5-140903730-C-T.
Other names: c.3614G>A, p.Arg1205Gln (NM_001079812.3); c.3641G>A, p.Arg1214Gln (NM_001314007.2); short protein forms R1205Q, R1214Q.
Identifiers: ClinVar variation 930720 (VCV000930720.9), dbSNP rs373679838, ClinGen allele CA3478733.